The following is an entry in ClinVar:

ClinVar aggregate classification (germline): Pathogenic/Likely pathogenic. Review status: criteria provided, multiple submitters, no conflicts (2 of 4 stars). 4 submissions from 4 submitters: Pathogenic (1); Likely pathogenic (3). Last evaluated 2026-05-26.

Conditions:
Autosomal recessive titinopathy. Identifiers: MedGen CN315649, MONDO:0100493.
TTN-related disorder. Also called: TTN-related disorders; TTN-related condition; TTN-related disease.
Dilated cardiomyopathy 1G (CMD1G). Identifiers: Orphanet 154, MedGen C1858763, MONDO:0011400, OMIM 604145.
Autosomal recessive limb-girdle muscular dystrophy type 2J (LGMDR10). Also called: Limb-girdle muscular dystrophy, type 2J; MUSCULAR DYSTROPHY, LIMB-GIRDLE, AUTOSOMAL RECESSIVE 10. Identifiers: Orphanet 140922, MedGen C1837342, MONDO:0012127, OMIM 608807.

Allele frequency attached by ClinVar (database versions not stated): gnomAD exomes 0.00001; gnomAD 0.00003 and 0.00004; TOPMed 0.00003.
gnomAD v4.1: 16 of 1,612,144 alleles (0.00099%); highest among the groups gnomAD compares: African/African-American, 0.004%; no homozygotes.

Submissions (4):

PreventionGenetics, part of Exact Sciences
Classification: Likely pathogenic for TTN-related condition. Last evaluated: 2026-05-26. Review status: criteria provided, single submitter. Criteria: ACMG Guidelines, 2015. Collection method: clinical testing. Allele origin: germline.
Comment: The TTN c.36253C>T variant is predicted to result in premature protein termination (p.Gln12085*). This variant has been reported in the compound heterozygous state, in addition to mosaic monosomy X, in a neonate with fetal akinesia deformation sequence and hydrops (Table S1, Di Feo et al. 2023. PubMed ID: 36977548). This variant is located in the TTN protein I-band region. RNAseq studies from heart tissue indicate this exon is not commonly included in TTN mRNA transcripts (Exon 169, PSI of 2%); however, this analysis was not performed in muscle tissue (Roberts et al. 2015. PMID: 25589632). TTN truncating variants are reported in 1-2% of presumably healthy individuals and occur more frequently in exons with low PSI values (Roberts et al. 2015. PMID: 25589632; Herman D.S. et al. 2012. PMID: 22335739). However, many protein truncating and splice variants in these low PSI exons have been recently observed in severe recessive congenital titinopathies (Bryen et al. 2020. PubMed ID: 31660661; Oates et al. 2018. PubMed ID: 29691892; Chervinsky et al. 2018. PubMed ID: 29575618; Qi et al. 2023. PubMed ID: 36761691; Coppens et al. 2025. PubMed ID: 39853809). Many cases of recessive TTN-related myopathies in which the individual is compound heterozygous for two loss of function variants in TTN have also been reported (Ge et al. 2019. PubMed ID: 31053406; Oates et al. 2018. PubMed ID: 29691892; Rees et al. 2021. PubMed ID: 33449170). This variant is reported in 0.011% of alleles in individuals of African descent in gnomAD. In summary, this variant is likely pathogenic for autosomal recessive TTN-related disorders. However, it is uncertain if this variant would be causative for autosomal dominant TTN-related disorders.

Labcorp Genetics (formerly Invitae), Labcorp
Classification: Likely pathogenic for Dilated cardiomyopathy 1G; Autosomal recessive limb-girdle muscular dystrophy type 2J. Last evaluated: 2025-02-11. Review status: criteria provided, single submitter. Criteria: Invitae Variant Classification Sherloc (09022015). Collection method: clinical testing. Allele origin: germline.
Comment: This sequence change creates a premature translational stop signal (p.Gln12085*) in the TTN gene. While this is not anticipated to result in nonsense mediated decay, it is expected to create a truncated TTN protein. This variant is present in population databases (no rsID available, gnomAD 0.01%). This variant has not been reported in the literature in individuals affected with TTN-related conditions. ClinVar contains an entry for this variant (Variation ID: 1190830). This variant is located in the I band of TTN (PMID: 25589632). Truncating variants in this region have been reported in individuals affected with autosomal recessive centronuclear myopathy (PMID: 23975875, internal data). Truncating variants in this region have also been identified in individuals affected with autosomal dominant dilated cardiomyopathy and/or cardio-related conditions (PMID: 27869827, 32964742, internal data). In summary, the currently available evidence indicates that the variant is pathogenic, but additional data are needed to prove that conclusively. Therefore, this variant has been classified as Likely Pathogenic.

Women's Health and Genetics/Laboratory Corporation of America, LabCorp
Classification: Likely pathogenic for Autosomal recessive titinopathy. Last evaluated: 2024-11-04. Review status: criteria provided, single submitter. Criteria: LabCorp Variant Classification Summary - May 2015. Collection method: clinical testing. Allele origin: germline.
Comment: Variant summary: TTN NM_133378:c.31484-1432C>T, intron 152 (also reported as NM_001267550:c.36253C>T (p.Gln12085*), exon 168) is located at a position not widely known to affect splicing. Consensus agreement among computation tools predict no significant impact on normal splicing. However, these predictions have yet to be confirmed by functional studies. Loss of function variants in all TTN bands are strongly associated with a spectrum of autosomal recessive titinopathies when exon expression (proportion spliced in, PSI, 1=complete expression) in skeletal muscle is >0.1 (PMID: 36977548, 39198997, 29598826, 32778822, 29691892, 33449170, 36977548, internal data). In contrast, loss of function variants in all TTN bands are strongly associated with autosomal dominant TTN-related cardiomyopathies if located in exons constitutively expressed (PSI >0.9) in cardiac muscle, excluding extreme C-terminal exons 359-363 (PMID: 25589632, 31216868, 32964742, 34662387, 27869827, Shetty et al., Nat Cardiovasc Res 2024,, internal data). This variant has a maximum skeletal muscle PSI of 0.626 and a maximum cardiac muscle PSI of 0.02. The variant was absent in 240998 control chromosomes. c.31484-1432C>T has been reported in the literature in the compound heterozygous state in at least 1 individuals affected with clinical features of Autosomal Recessive Titinopathy (example, Di Feo_2023). To our knowledge, no experimental evidence demonstrating an impact on protein function has been reported. The following publication has been ascertained in the context of this evaluation (PMID: 36977548). ClinVar contains an entry for this variant (Variation ID: 1190830). Based on the evidence outlined above, the variant was classified as likely pathogenic only in the context of autosomal recessive titinopathies.

GeneDx
Classification: Pathogenic. Last evaluated: 2022-09-27. Review status: criteria provided, single submitter. Criteria: GeneDx Variant Classification Process June 2021. Collection method: clinical testing. Allele origin: germline. Affected: yes.
Comment: Present in an alternate meta-transcript which contains all possible coding exons of the TTN gene (NM_001267550.1), and is not present in the coding portion of the TTN primary transcripts (NM_133378.4 and NM_001256850.1); Truncating pathogenic variants located in metatranscript-only exons have been reported in association with autosomal recessive congenital titinopathies (Fernandez-Marmiesse et al., 2017; Chervinsky et al., 2018; Bryen, et al., 2020; Savarese et al., 2020); Not observed at significant frequency in large population cohorts (gnomAD); Has not been previously published as pathogenic or benign to our knowledge; Nonsense variant predicted to result in protein truncation or nonsense mediated decay in a gene for which loss-of-function is a known mechanism of disease; Located in a region of TTN within the I-band in which the majority of loss of function variants are significantly associated with autosomal dominant titinopathies (Deo et al., 2016; Schafer et al., 2017); This variant is associated with the following publications: (PMID: 27535533, 27625338, 27869827)

Literature cited by the submitters: PubMed 25589632 (cited by Labcorp Genetics (formerly Invitae), Labcorp); PubMed 23975875 (cited by Labcorp Genetics (formerly Invitae), Labcorp); PubMed 27869827 (cited by Labcorp Genetics (formerly Invitae), Labcorp); PubMed 32964742 (cited by Labcorp Genetics (formerly Invitae), Labcorp); PubMed 36977548 (cited by Women's Health and Genetics/Laboratory Corporation of America, LabCorp).

NM_001267550.2(TTN):c.36253C>T (p.Gln12085Ter)

Gene: TTN (titin; minus strand). Cytogenetic location: 2q31.2.
Variant type: single nucleotide variant.
Coding change: c.36253C>T on transcript NM_001267550.2 (MANE Select); coding-DNA position 36253, C replaced by T.
Protein change: p.Gln12085Ter; replaces glutamine 12085 with a stop codon.
Molecular consequence: nonsense. On other transcripts: intron variant (5).
Genome position (GRCh38, 1-based): chr2:178,664,487, G>A on the plus strand (C>T on the coding strand, the complement: TTN is on the minus strand). VCF-style: chr2-178664487-G-A. GRCh37 (hg19) VCF-style: chr2-179529214-G-A.
Other names: c.36253C>T (NM_001267550.1); c.13283-22170C>T (NM_003319.4); c.13859-22170C>T (NM_133437.4); c.13658-22170C>T (NM_133432.3); c.31484-1432C>T (NM_133378.4); c.34265-1432C>T (NM_001256850.1); short protein forms Q12085*.
Identifiers: ClinVar variation 1190830 (VCV001190830.14), dbSNP rs1384922524, ClinGen allele CA349500017.
Genomic context (GRCh38, chr2:178,664,487, plus strand): 5'-TATCCCACCATAAAAAGACAGTTAAGAATGTACCTTTGACAGGTACAACTTCAGCCCTTT[G>A]GGGAGGATGCACTTTCTTTTCCGGGACAACTTCTCTGAGAGCCTCCGGCACTTTGAAGAT-3'